The following is an entry in ClinVar:

NM_144666.3(DNHD1):c.11908A>G (p.Ser3970Gly)

Gene: DNHD1 (dynein heavy chain domain 1; plus strand). Cytogenetic location: 11p15.4.
Variant type: single nucleotide variant.
Coding change: c.11908A>G on transcript NM_144666.3 (MANE Select); coding-DNA position 11908, A replaced by G.
Protein change: p.Ser3970Gly; replaces serine 3970 with glycine.
Molecular consequence: missense variant.
Genome position (GRCh38, 1-based): chr11:6,567,417, A>G. VCF-style: chr11-6567417-A-G. GRCh37 (hg19) VCF-style: chr11-6588647-A-G.
Other names: short protein forms S3970G.
Identifiers: ClinVar variation 709451 (VCV000709451.7), dbSNP rs182100916, ClinGen allele CA5856752.
Genomic context (GRCh38, chr11:6,567,417, plus strand): 5'-TCAGAGCTGGAAAGACTGGCACTCTGGCCTGGACTAGCAGCCTCTCCCAGCACAGTCCAC[A>G]GCAAGCCAGTCTCAGATGTGGCTCGACCGGCCTGGCTTGGGCCAAAAGCCTGGCATGAAT-3'
Protein context (NP_653267.2, residues 3960-3980): GLAASPSTVH[Ser3970Gly]KPVSDVARPA

ClinVar aggregate classification (germline): Benign. Review status: criteria provided, multiple submitters, no conflicts (2 of 4 stars). 3 submissions from 3 submitters: Benign (2). 1 of the submissions does not count toward it. Last evaluated 2019-12-31.

Conditions:
DNHD1-related disorder. Also called: DNHD1-related condition.

Allele frequency attached by ClinVar (database versions not stated): gnomAD exomes 0.00078 and 0.00195; ExAC 0.00243; ESP Exome Variant Server 0.00767; gnomAD 0.00805 and 0.00854; 1000 Genomes Project 0.00938; TOPMed 0.00963; 1000 Genomes Project 30x 0.01093.
gnomAD v4.1: 2,424 of 1,613,518 alleles (0.15%); highest among the groups gnomAD compares: African/African-American, 2.8%; 40 homozygotes.

Submissions (3):

Labcorp Genetics (formerly Invitae), Labcorp
Classification: Benign. Last evaluated: 2019-12-31. Review status: criteria provided, single submitter. Criteria: Invitae Variant Classification Sherloc (09022015). Collection method: clinical testing. Allele origin: germline.

Breakthrough Genomics
Classification: Benign. Review status: criteria provided, single submitter. Criteria: ACMG Guidelines, 2015. Collection method: not provided. Allele origin: germline. Inheritance: Autosomal recessive inheritance. Affected: yes.

PreventionGenetics, part of Exact Sciences
Classification: Benign for DNHD1-related condition. Last evaluated: 2019-08-14. Review status: no assertion criteria provided. Collection method: clinical testing. Allele origin: germline. Not counted in ClinVar's aggregate classification.
Comment: This variant is classified as benign based on ACMG/AMP sequence variant interpretation guidelines (Richards et al. 2015 PMID: 25741868, with internal and published modifications).